The following is an entry in ClinVar:

NM_001365536.1(SCN9A):c.532G>A (p.Val178Ile)

Gene: SCN9A (sodium voltage-gated channel alpha subunit 9; minus strand). Cytogenetic location: 2q24.3.
Variant type: single nucleotide variant.
Coding change: c.532G>A on transcript NM_001365536.1 (MANE Select); coding-DNA position 532, G replaced by A.
Protein change: p.Val178Ile; replaces valine 178 with isoleucine.
Molecular consequence: missense variant.
Genome position (GRCh38, 1-based): chr2:166,305,856, C>T on the plus strand (G>A on the coding strand, the complement: SCN9A is on the minus strand). VCF-style: chr2-166305856-C-T. GRCh37 (hg19) VCF-style: chr2-167162366-C-T.
Other names: c.532G>A, p.Val178Ile (NM_002977.4); short protein forms V178I.
Identifiers: ClinVar variation 538463 (VCV000538463.10), dbSNP rs200417967, ClinGen allele CA1944770.

ClinVar aggregate classification (germline): Uncertain significance (1 of 4 stars; one submission).

Conditions:
Neuropathy, hereditary sensory and autonomic, type 2A (HSAN2A). Also called: ACROOSTEOLYSIS, GIACCAI TYPE; ACROOSTEOLYSIS, NEUROGENIC; MORVAN DISEASE; NEUROPATHY, CONGENITAL SENSORY; NEUROPATHY, HEREDITARY SENSORY RADICULAR, AUTOSOMAL RECESSIVE; NEUROPATHY, HEREDITARY SENSORY, TYPE IIA. Identifiers: Orphanet 970, MedGen C2752089, MONDO:0024309, OMIM 201300.
Generalized epilepsy with febrile seizures plus, type 7 (GEFSP7). Also called: GEFS+, TYPE 7. Identifiers: Orphanet 36387, MedGen C2751778, MONDO:0013470, OMIM 613863.

Allele frequency attached by ClinVar (database versions not stated): gnomAD exomes below 0.00001 and 0.00001; ExAC 0.00002; gnomAD 0.00005; TOPMed 0.00005.
gnomAD v4.1: 14 of 1,613,246 alleles (0.00087%); highest among the groups gnomAD compares: African/African-American, 0.015%; no homozygotes.

Submission:

Labcorp Genetics (formerly Invitae), Labcorp
Classification: Uncertain significance for Neuropathy, hereditary sensory and autonomic, type 2A; Generalized epilepsy with febrile seizures plus, type 7. Last evaluated: 2025-09-08. Review status: criteria provided, single submitter. Criteria: Invitae Variant Classification Sherloc (09022015). Collection method: clinical testing. Allele origin: germline.
Comment: This sequence change replaces valine, which is neutral and non-polar, with isoleucine, which is neutral and non-polar, at codon 178 of the SCN9A protein (p.Val178Ile). This variant is present in population databases (rs200417967, gnomAD 0.02%). This variant has not been reported in the literature in individuals affected with SCN9A-related conditions. ClinVar contains an entry for this variant (Variation ID: 538463). Invitae Evidence Modeling of protein sequence and biophysical properties (such as structural, functional, and spatial information, amino acid conservation, physicochemical variation, residue mobility, and thermodynamic stability) indicates that this missense variant is not expected to disrupt SCN9A protein function with a negative predictive value of 95%. In summary, the available evidence is currently insufficient to determine the role of this variant in disease. Therefore, it has been classified as a Variant of Uncertain Significance.